The following is an entry in ClinVar:

NM_182961.4(SYNE1):c.17215C>T (p.Gln5739Ter)

Gene: SYNE1 (spectrin repeat containing nuclear envelope protein 1; minus strand). Cytogenetic location: 6q25.2.
Variant type: single nucleotide variant.
Coding change: c.17215C>T on transcript NM_182961.4 (MANE Select); coding-DNA position 17215, C replaced by T.
Protein change: p.Gln5739Ter; replaces glutamine 5739 with a stop codon.
Molecular consequence: nonsense.
Genome position (GRCh38, 1-based): chr6:152,308,620, G>A on the plus strand (C>T on the coding strand, the complement: SYNE1 is on the minus strand). VCF-style: chr6-152308620-G-A. GRCh37 (hg19) VCF-style: chr6-152629755-G-A.
Other names: c.17002C>T, p.Gln5668Ter (NM_033071.5); short protein forms Q5668*, Q5739*.
Identifiers: ClinVar variation 571581 (VCV000571581.6), dbSNP rs746328978, ClinGen allele CA366105883.

ClinVar aggregate classification (germline): Pathogenic (1 of 4 stars; one submission).

Conditions:
Emery-Dreifuss muscular dystrophy 4, autosomal dominant (EDMD4). Also called: EMERY-DREIFUSS MUSCULAR DYSTROPHY 4 WITH VARIABLE FEATURES. Identifiers: Orphanet 261, MedGen C2751807, MONDO:0013071, OMIM 612998.
Autosomal recessive ataxia, Beauce type. Also called: SYNE1-Related Autosomal Recessive Cerebellar Ataxia; Spinocerebellar ataxia, autosomal recessive 8; ATAXIA, RECESSIVE, OF BEAUCE; SYNE1 Deficiency. Identifiers: Orphanet 88644, MedGen C1853116, MONDO:0012549, OMIM 610743.

Submission:

Labcorp Genetics (formerly Invitae), Labcorp
Classification: Pathogenic for Emery-Dreifuss muscular dystrophy 4, autosomal dominant; Autosomal recessive ataxia, Beauce type. Last evaluated: 2018-01-22. Review status: criteria provided, single submitter. Criteria: Invitae Variant Classification Sherloc (09022015). Collection method: clinical testing. Allele origin: germline.
Comment: For these reasons, this variant has been classified as Pathogenic. Loss-of-function variants in SYNE1 are known to be pathogenic (PMID: 27086870). This variant has not been reported in the literature in individuals with SYNE1-related disease. This variant is not present in population databases (ExAC no frequency). This sequence change creates a premature translational stop signal (p.Gln5668*) in the SYNE1 gene. It is expected to result in an absent or disrupted protein product.

Literature cited by the submitters: PubMed 27086870.